The following is an entry in ClinVar:

NM_144999.4(LRRC45):c.1288G>A (p.Glu430Lys)

Gene: LRRC45 (leucine rich repeat containing 45; plus strand). Cytogenetic location: 17q25.3.
Variant type: single nucleotide variant.
Coding change: c.1288G>A on transcript NM_144999.4 (MANE Select); coding-DNA position 1288, G replaced by A.
Protein change: p.Glu430Lys; replaces glutamic acid 430 with lysine.
Molecular consequence: missense variant.
Genome position (GRCh38, 1-based): chr17:82,028,663, G>A. VCF-style: chr17-82028663-G-A. GRCh37 (hg19) VCF-style: chr17-79986539-G-A.
Other names: short protein forms E430K.
Identifiers: ClinVar variation 4979087 (VCV004979087.1).

ClinVar aggregate classification (germline): Uncertain significance (1 of 4 stars; one submission).

Conditions:
LRRC45-related disorder. Also called: LRRC45-related condition.

gnomAD v4.1: 6 of 1,612,646 alleles (0.00037%); highest among the groups gnomAD compares: African/African-American, 0.0027%; no homozygotes.

Submission:

PreventionGenetics, part of Exact Sciences
Classification: Uncertain significance for LRRC45-related condition. Last evaluated: 2025-05-27. Review status: criteria provided, single submitter. Criteria: ACMG Guidelines, 2015. Collection method: clinical testing. Allele origin: germline.
Comment: The LRRC45 c.1288G>A variant is predicted to result in the amino acid substitution p.Glu430Lys. To our knowledge, this variant has not been reported in the literature. This variant is reported in 0.0040% of alleles in individuals of African descent in gnomAD. At this time, the clinical significance of this variant is uncertain due to the absence of conclusive functional and genetic evidence.